The following is an entry in ClinVar:

ClinVar aggregate classification (germline): Uncertain significance (1 of 4 stars; one submission).

Allele frequency attached by ClinVar (database versions not stated): ExAC 0.00002.
gnomAD v4.1: 10 of 1,588,062 alleles (0.00063%); highest among the groups gnomAD compares: Middle Eastern, 0.019%; no homozygotes.

Submission:

Labcorp Genetics (formerly Invitae), Labcorp
Classification: Uncertain significance. Last evaluated: 2023-09-20. Review status: criteria provided, single submitter. Criteria: Invitae Variant Classification Sherloc (09022015). Collection method: clinical testing. Allele origin: germline.
Comment: In summary, the available evidence is currently insufficient to determine the role of this variant in disease. Therefore, it has been classified as a Variant of Uncertain Significance. An algorithm developed to predict the effect of missense changes on protein structure and function (PolyPhen-2) suggests that this variant is likely to be tolerated. This variant has not been reported in the literature in individuals affected with BRD4-related conditions. The frequency data for this variant in the population databases is considered unreliable, as metrics indicate poor data quality at this position in the gnomAD database. This sequence change replaces proline, which is neutral and non-polar, with serine, which is neutral and polar, at codon 758 of the BRD4 protein (p.Pro758Ser).

NM_001379291.1(BRD4):c.2272C>T (p.Pro758Ser)

Gene: BRD4 (bromodomain containing 4; minus strand). Cytogenetic location: 19p13.12.
Variant type: single nucleotide variant.
Coding change: c.2272C>T on transcript NM_001379291.1 (MANE Select); coding-DNA position 2272, C replaced by T.
Protein change: p.Pro758Ser; replaces proline 758 with serine.
Molecular consequence: missense variant.
Genome position (GRCh38, 1-based): chr19:15,244,540, G>A on the plus strand (C>T on the coding strand, the complement: BRD4 is on the minus strand). VCF-style: chr19-15244540-G-A. GRCh37 (hg19) VCF-style: chr19-15355351-G-A.
Other names: c.2272C>T, p.Pro758Ser (NM_058243.3); short protein forms P758S.
Identifiers: ClinVar variation 2909288 (VCV002909288.3), dbSNP rs764916689, ClinGen allele CA9264996.